The following is an entry in ClinVar:

NC_000012.11:g.(?_119617118)_(119624913_?)dup

Gene: HSPB8 (heat shock protein family B (small) member 8; plus strand). Cytogenetic location: 12q24.23.
Variant type: Duplication.
Identifiers: ClinVar variation 2425949 (VCV002425949.4).

ClinVar aggregate classification (germline): Uncertain significance (1 of 4 stars; one submission).

Conditions:
Charcot-Marie-Tooth disease axonal type 2L. Also called: CHARCOT-MARIE-TOOTH DISEASE, AXONAL, AUTOSOMAL DOMINANT, TYPE 2L; CHARCOT-MARIE-TOOTH NEUROPATHY, AXONAL, TYPE 2L; Charcot-Marie-Tooth Neuropathy Type 2L. Identifiers: Orphanet 99945, MedGen C1837552, MONDO:0012096, OMIM 608673.

Submission:

Labcorp Genetics (formerly Invitae), Labcorp
Classification: Uncertain significance for Charcot-Marie-Tooth disease axonal type 2L. Last evaluated: 2022-08-27. Review status: criteria provided, single submitter. Criteria: Invitae Variant Classification Sherloc (09022015). Collection method: clinical testing. Allele origin: germline.
Comment: In summary, the available evidence is currently insufficient to determine the role of this variant in disease. Therefore, it has been classified as a Variant of Uncertain Significance. Experimental studies and prediction algorithms are not available or were not evaluated, and the functional significance of this variant is currently unknown. This variant has not been reported in the literature in individuals affected with HSPB8-related conditions. This variant results in a copy number gain of the genomic region encompassing exon(s) 1-2 of the HSPB8 gene. This region includes the initiator codon of the gene. This copy number gain extends beyond the assayed region for this gene and therefore may encompass additional genes. As the precise location of this event is unknown, it may be in tandem or it may be located elsewhere in the genome.